The following is an entry in ClinVar:

NM_001291867.2(NHS):c.2669T>C (p.Leu890Pro)

Gene: NHS (NHS actin remodeling regulator; plus strand). Cytogenetic location: Xp22.13.
Variant type: single nucleotide variant.
Coding change: c.2669T>C on transcript NM_001291867.2 (MANE Select); coding-DNA position 2669, T replaced by C.
Protein change: p.Leu890Pro; replaces leucine 890 with proline.
Molecular consequence: missense variant.
Genome position (GRCh38, 1-based): chrX:17,726,775, T>C. VCF-style: chrX-17726775-T-C. GRCh37 (hg19) VCF-style: chrX-17744895-T-C.
Other names: c.2138T>C, p.Leu713Pro (NM_001136024.4); c.2075T>C, p.Leu692Pro (NM_001291868.2); c.2606T>C, p.Leu869Pro (NM_198270.4); short protein forms L692P, L869P, L890P, L713P.
Identifiers: ClinVar variation 2807895 (VCV002807895.2), dbSNP rs1483610373, ClinGen allele CA412359883.

ClinVar aggregate classification (germline): Uncertain significance (1 of 4 stars; one submission).

Conditions:
Nance-Horan syndrome (NHS). Identifiers: Orphanet 627, MedGen C0796085, MONDO:0010545, OMIM 302350.

Allele frequency attached by ClinVar (database versions not stated): gnomAD exomes below 0.00001; TOPMed 0.00001; gnomAD 0.00002.
gnomAD v4.1: 4 of 1,210,270 alleles (0.00033%); highest among the groups gnomAD compares: Admixed American, 0.0087%; no homozygotes.

Submission:

Labcorp Genetics (formerly Invitae), Labcorp
Classification: Uncertain significance for Nance-Horan syndrome. Last evaluated: 2024-02-23. Review status: criteria provided, single submitter. Criteria: Invitae Variant Classification Sherloc (09022015). Collection method: clinical testing. Allele origin: germline.
Comment: This sequence change replaces leucine, which is neutral and non-polar, with proline, which is neutral and non-polar, at codon 869 of the NHS protein (p.Leu869Pro). This variant is present in population databases (no rsID available, gnomAD 0.008%). This variant has not been reported in the literature in individuals affected with NHS-related conditions. Advanced modeling of protein sequence and biophysical properties (such as structural, functional, and spatial information, amino acid conservation, physicochemical variation, residue mobility, and thermodynamic stability) performed at Invitae indicates that this missense variant is expected to disrupt NHS protein function with a positive predictive value of 80%. In summary, the available evidence is currently insufficient to determine the role of this variant in disease. Therefore, it has been classified as a Variant of Uncertain Significance.